The following is an entry in ClinVar:

NM_000528.4(MAN2B1):c.1645-3G>A

Gene: MAN2B1 (mannosidase alpha class 2B member 1; minus strand). Cytogenetic location: 19p13.13.
Variant type: single nucleotide variant.
Coding change: c.1645-3G>A on transcript NM_000528.4 (MANE Select); 3 bases into the intron before coding-DNA position 1645, G replaced by A.
Molecular consequence: intron variant.
Genome position (GRCh38, 1-based): chr19:12,655,882, C>T on the plus strand (G>A on the coding strand, the complement: MAN2B1 is on the minus strand). VCF-style: chr19-12655882-C-T. GRCh37 (hg19) VCF-style: chr19-12766696-C-T.
Other names: c.1642-3G>A (NM_001173498.2).
Identifiers: ClinVar variation 990083 (VCV000990083.6), dbSNP rs748206062, ClinGen allele CA9226359.

ClinVar aggregate classification (germline): Uncertain significance. Review status: criteria provided, single submitter (1 of 4 stars). 2 submissions from 2 submitters: Uncertain significance (1). 1 of the submissions does not count toward it. Last evaluated 2021-09-24.

Conditions:
Deficiency of alpha-mannosidase (MANSA). Also called: Mannosidosis, alpha-, types I and II; Alpha-Mannosidosis; LYSOSOMAL ALPHA-D-MANNOSIDASE DEFICIENCY. Identifiers: Orphanet 61, MedGen C0024748, MONDO:0009561, OMIM 248500.

Allele frequency attached by ClinVar (database versions not stated): ExAC 0.00001; gnomAD exomes 0.00001; TOPMed 0.00002; gnomAD 0.00003 and 0.00004.
gnomAD v4.1: 19 of 1,613,086 alleles (0.0012%); highest among the groups gnomAD compares: African/African-American, 0.011%; no homozygotes.

Submissions (2):

Labcorp Genetics (formerly Invitae), Labcorp
Classification: Uncertain significance for Deficiency of alpha-mannosidase. Last evaluated: 2021-09-24. Review status: criteria provided, single submitter. Criteria: Invitae Variant Classification Sherloc (09022015). Collection method: clinical testing. Allele origin: germline.
Comment: This sequence change falls in intron 13 of the MAN2B1 gene. It does not directly change the encoded amino acid sequence of the MAN2B1 protein, but it affects a nucleotide within the consensus splice site of the intron. This variant is present in population databases (rs748206062, ExAC 0.002%). This variant has not been reported in the literature in individuals with MAN2B1-related conditions. Nucleotide substitutions within the consensus splice site are a relatively common cause of aberrant splicing (PMID: 17576681, 9536098). Algorithms developed to predict the effect of sequence changes on RNA splicing suggest that this variant is not likely to affect RNA splicing, but this prediction has not been confirmed by published transcriptional studies. In summary, the available evidence is currently insufficient to determine the role of this variant in disease. Therefore, it has been classified as a Variant of Uncertain Significance.

Natera, Inc.
Classification: Uncertain significance for Alpha-mannosidosis. Last evaluated: 2020-10-26. Review status: no assertion criteria provided. Collection method: clinical testing. Allele origin: germline. Not counted in ClinVar's aggregate classification.

Literature cited by the submitters: PubMed 17576681 (cited by Labcorp Genetics (formerly Invitae), Labcorp); PubMed 9536098 (cited by Labcorp Genetics (formerly Invitae), Labcorp).